The following is an entry in ClinVar:

ClinVar aggregate classification (germline): Likely benign. Review status: criteria provided, multiple submitters, no conflicts (2 of 4 stars). 2 submissions from 2 submitters: Likely benign (2). Last evaluated 2024-09-24.

Conditions:
Thyroid hormone resistance, generalized, autosomal dominant (GRTHD). Also called: HYPERTHYROXINEMIA, FAMILIAL EUTHYROID, SECONDARY TO PITUITARY AND PERIPHERAL RESISTANCE TO THYROID HORMONES. Identifiers: MedGen C2937288, MONDO:0008569, OMIM 188570.

Allele frequency attached by ClinVar (database versions not stated): gnomAD 0.00011 and 0.00013; gnomAD exomes 0.00011 and 0.00015; TOPMed 0.00011; ExAC 0.00016; 1000 Genomes Project 30x 0.00031; ESP Exome Variant Server 0.00031; 1000 Genomes Project 0.00060.
gnomAD v4.1: 229 of 1,614,158 alleles (0.014%); highest among the groups gnomAD compares: East Asian, 0.036%; no homozygotes.

Submissions (2):

Blueprint Genetics
Classification: Likely benign. Last evaluated: 2024-09-24. Review status: criteria provided, single submitter. Criteria: ACMG Guidelines, 2015. Collection method: clinical testing. Allele origin: germline.

Illumina Laboratory Services, Illumina
Classification: Likely benign for Thyroid hormone resistance, generalized, autosomal dominant. Last evaluated: 2018-01-12. Review status: criteria provided, single submitter. Criteria: ICSL Variant Classification Criteria 13 December 2019. Collection method: clinical testing. Allele origin: germline.
Comment: This variant was observed in the ICSL laboratory as part of a predisposition screen in an ostensibly healthy population. It had not been previously curated by ICSL or reported in the Human Gene Mutation Database (HGMD: prior to June 1st, 2018), and was therefore a candidate for classification through an automated scoring system. Utilizing variant allele frequency, disease prevalence and penetrance estimates, and inheritance mode, an automated score was calculated to assess if this variant is too frequent to cause the disease. Based on the score and internal cut-off values, a variant classified as likely benign is not then subjected to further curation. The score for this variant resulted in a classification of likely benign for this disease.

NM_001354712.2(THRB):c.1053C>T (p.Asp351=)

Gene: THRB (thyroid hormone receptor beta; minus strand). Cytogenetic location: 3p24.2.
Variant type: single nucleotide variant.
Coding change: c.1053C>T on transcript NM_001354712.2 (MANE Select); coding-DNA position 1053, C replaced by T.
Protein change: p.Asp351=; no amino-acid change (aspartic acid 351 retained).
Molecular consequence: synonymous variant. On other transcripts: intron variant (1).
Genome position (GRCh38, 1-based): chr3:24,127,590, G>A on the plus strand (C>T on the coding strand, the complement: THRB is on the minus strand). VCF-style: chr3-24127590-G-A. GRCh37 (hg19) VCF-style: chr3-24169081-G-A.
Other names: c.1053C>T, p.Asp351= (NM_000461.5, NM_001128176.3, NM_001128177.2 and 11 more transcripts); c.960C>T, p.Asp320= (NM_001354714.2, NM_001354715.2); c.973+80C>T (NM_001374827.1).
Identifiers: ClinVar variation 902711 (VCV000902711.5), dbSNP rs115445992, ClinGen allele CA2287132.